The following is an entry in ClinVar:

ClinVar aggregate classification (germline): Likely benign (1 of 4 stars; one submission).

gnomAD v4.1: 42 of 1,614,068 alleles (0.0026%); highest among the groups gnomAD compares: Admixed American, 0.062%; no homozygotes.

Submission:

CeGaT Center for Human Genetics Tuebingen
Classification: Likely benign. Last evaluated: 2026-06-01. Review status: criteria provided, single submitter. Criteria: CeGaT Center For Human Genetics Tuebingen Variant Classification Criteria Version 2. Collection method: clinical testing. Allele origin: germline. Affected: yes. Observed: 1 variant allele.
Comment: MADD: BP4, BP7

NM_001376571.1(MADD):c.1656G>T (p.Gly552=)

Gene: MADD (MAP kinase activating death domain; plus strand). Cytogenetic location: 11p11.2.
Variant type: single nucleotide variant.
Coding change: c.1656G>T on transcript NM_001376571.1 (MANE Select); coding-DNA position 1656, G replaced by T.
Protein change: p.Gly552=; no amino-acid change (glycine 552 retained).
Molecular consequence: synonymous variant. On other transcripts: non-coding transcript variant (8).
Genome position (GRCh38, 1-based): chr11:47,282,567, G>T. VCF-style: chr11-47282567-G-T. GRCh37 (hg19) VCF-style: chr11-47304118-G-T.
Other names: c.1656G>T, p.Gly552= (NM_001135943.2, NM_001135944.2, NM_001376572.1 and 80 more transcripts); c.1452G>T, p.Gly484= (NM_001376620.1, NM_001376626.1, NM_001376627.1 and 9 more transcripts); c.990G>T, p.Gly330= (NM_001376663.1).
Identifiers: ClinVar variation 4874348 (VCV004874348.2).